The following is an entry in ClinVar:

NM_000440.3(PDE6A):c.1535C>T (p.Pro512Leu)

Gene: PDE6A (phosphodiesterase 6A; minus strand). Cytogenetic location: 5q32.
Variant type: single nucleotide variant.
Coding change: c.1535C>T on transcript NM_000440.3 (MANE Select); coding-DNA position 1535, C replaced by T.
Protein change: p.Pro512Leu; replaces proline 512 with leucine.
Molecular consequence: missense variant.
Genome position (GRCh38, 1-based): chr5:149,896,441, G>A on the plus strand (C>T on the coding strand, the complement: PDE6A is on the minus strand). VCF-style: chr5-149896441-G-A. GRCh37 (hg19) VCF-style: chr5-149276004-G-A.
Other names: c.1292C>T, p.Pro431Leu (NM_001410788.1); short protein forms P431L, P512L.
Identifiers: ClinVar variation 3027696 (VCV003027696.3), dbSNP rs767935782, ClinGen allele CA3504641.

ClinVar aggregate classification (germline): Uncertain significance. Review status: criteria provided, multiple submitters, no conflicts (2 of 4 stars). 2 submissions from 2 submitters: Uncertain significance (2). Last evaluated 2025-01-01.

Conditions:
Retinal dystrophy. Also called: Inherited retinal dystrophy. Identifiers: Orphanet 71862, MedGen C0854723, MeSH D058499, MONDO:0019118, HP:0000556.

Allele frequency attached by ClinVar (database versions not stated): gnomAD 0.00001; ExAC 0.00002.
gnomAD v4.1: 54 of 1,613,710 alleles (0.0033%); highest among the groups gnomAD compares: East Asian, 0.12%; 1 homozygote.

Submissions (2):

Labcorp Genetics (formerly Invitae), Labcorp
Classification: Uncertain significance. Last evaluated: 2025-01-01. Review status: criteria provided, single submitter. Criteria: Invitae Variant Classification Sherloc (09022015). Collection method: clinical testing. Allele origin: germline.
Comment: This sequence change replaces proline, which is neutral and non-polar, with leucine, which is neutral and non-polar, at codon 512 of the PDE6A protein (p.Pro512Leu). This variant is present in population databases (rs767935782, gnomAD 0.03%). This variant has not been reported in the literature in individuals affected with PDE6A-related conditions. ClinVar contains an entry for this variant (Variation ID: 3027696). Invitae Evidence Modeling of protein sequence and biophysical properties (such as structural, functional, and spatial information, amino acid conservation, physicochemical variation, residue mobility, and thermodynamic stability) indicates that this missense variant is not expected to disrupt PDE6A protein function with a negative predictive value of 95%. In summary, the available evidence is currently insufficient to determine the role of this variant in disease. Therefore, it has been classified as a Variant of Uncertain Significance.

Dept Of Ophthalmology, Nagoya University
Classification: Uncertain significance for Retinal dystrophy. Last evaluated: 2023-10-01. Review status: criteria provided, single submitter. Criteria: Submitter's publication. Collection method: research. Allele origin: germline. Affected: yes.